The following is an entry in ClinVar:

NM_002972.4(SBF1):c.3814A>G (p.Met1272Val)

Gene: SBF1 (SET binding factor 1; minus strand). Cytogenetic location: 22q13.33.
Variant type: single nucleotide variant.
Coding change: c.3814A>G on transcript NM_002972.4 (MANE Select); coding-DNA position 3814, A replaced by G.
Protein change: p.Met1272Val; replaces methionine 1272 with valine.
Molecular consequence: missense variant.
Genome position (GRCh38, 1-based): chr22:50,459,267, T>C on the plus strand (A>G on the coding strand, the complement: SBF1 is on the minus strand). VCF-style: chr22-50459267-T-C. GRCh37 (hg19) VCF-style: chr22-50897696-T-C.
Other names: c.3817A>G, p.Met1273Val (NM_001365819.1, NM_001410794.1); c.3814A>G, p.Met1272Val (NM_001410795.1, NM_197971.1); short protein forms M1272V, M1273V.
Identifiers: ClinVar variation 1981485 (VCV001981485.2), dbSNP rs773993710, ClinGen allele CA10316553.

ClinVar aggregate classification (germline): Uncertain significance (1 of 4 stars; one submission).

Allele frequency attached by ClinVar (database versions not stated): ExAC 0.00002; gnomAD 0.00002; gnomAD exomes 0.00002; TOPMed 0.00002.

Submissions (2):

Labcorp Genetics (formerly Invitae), Labcorp
Classification: Uncertain significance. Last evaluated: 2022-06-21. Review status: criteria provided, single submitter. Criteria: Invitae Variant Classification Sherloc (09022015). Collection method: clinical testing. Allele origin: germline.
Comment: This sequence change replaces methionine, which is neutral and non-polar, with valine, which is neutral and non-polar, at codon 1272 of the SBF1 protein (p.Met1272Val). This variant is present in population databases (rs773993710, gnomAD 0.003%). This variant has not been reported in the literature in individuals affected with SBF1-related conditions. Algorithms developed to predict the effect of missense changes on protein structure and function output the following: SIFT: "Tolerated"; PolyPhen-2: "Benign"; Align-GVGD: "Class C0". The valine amino acid residue is found in multiple mammalian species, which suggests that this missense change does not adversely affect protein function. In summary, the available evidence is currently insufficient to determine the role of this variant in disease. Therefore, it has been classified as a Variant of Uncertain Significance.

Dr. Peter K. Rogan Lab, Western University
No classification provided (evidence only). Condition: Gastric cancer. Review status: no classification provided. Collection method: in vitro. Allele origin: not applicable. Functional consequence: retained intron. Not counted in ClinVar's aggregate classification.